The following is an entry in ClinVar:

ClinVar aggregate classification (germline): Likely benign (1 of 4 stars; one submission).

Submission:

Laboratory for Molecular Medicine, Mass General Brigham Personalized Medicine
Classification: Likely benign. Last evaluated: 2014-09-26. Review status: criteria provided, single submitter. Criteria: LMM Criteria. Collection method: clinical testing. Allele origin: germline. Observed: 1 variant allele.
Comment: 429+9C>A in intron 6 of CDH23: This variant is not expected to have clinical sig nificance because it is not located within the splice consensus sequence.

NM_022124.6(CDH23):c.429+9C>A

Genes: CDH23 (cadherin related 23; plus strand), CDH23-AS1 (CDH23 antisense RNA 1; minus strand). Cytogenetic location: 10q22.1.
Variant type: single nucleotide variant.
Coding change: c.429+9C>A on transcript NM_022124.6 (MANE Select); 9 bases into the intron after coding-DNA position 429, C replaced by A.
Molecular consequence: intron variant.
Genome position (GRCh38, 1-based): chr10:71,511,221, C>A. VCF-style: chr10-71511221-C-A. GRCh37 (hg19) VCF-style: chr10-73270978-C-A.
Other names: c.429+9C>A (NM_001171930.2, NM_001171931.2, NM_052836.4 and 1 more transcripts).
Identifiers: ClinVar variation 179993 (VCV000179993.4), dbSNP rs727505270, ClinGen allele CA185596.